The following is an entry in ClinVar:

ClinVar aggregate classification (germline): Uncertain significance (1 of 4 stars; one submission).

Conditions:
Granulomatous disease, chronic, autosomal recessive, cytochrome b-positive, type 3. Also called: GRANULOMATOUS DISEASE, CHRONIC, AUTOSOMAL RECESSIVE, 3; CGD, AUTOSOMAL RECESSIVE CYTOCHROME b-POSITIVE, TYPE III; GRANULOMATOUS DISEASE, CHRONIC, DUE TO NCF4 DEFICIENCY; Granulomatous disease, chronic, autosomal recessive, cytochrome b-positive, type III. Identifiers: Orphanet 379, MedGen C3151409, MONDO:0013507, OMIM 613960.

Allele frequency attached by ClinVar (database versions not stated): gnomAD exomes below 0.00001; TOPMed below 0.00001.
gnomAD v4.1: 3 of 1,613,312 alleles (0.00019%); highest among the groups gnomAD compares: Non-Finnish European, 0.00017%; no homozygotes.

Submission:

Labcorp Genetics (formerly Invitae), Labcorp
Classification: Uncertain significance for Granulomatous disease, chronic, autosomal recessive, cytochrome b-positive, type 3. Last evaluated: 2022-07-06. Review status: criteria provided, single submitter. Criteria: Invitae Variant Classification Sherloc (09022015). Collection method: clinical testing. Allele origin: germline.
Comment: This variant is present in population databases (no rsID available, gnomAD 0.0009%). This sequence change replaces leucine, which is neutral and non-polar, with proline, which is neutral and non-polar, at codon 199 of the NCF4 protein (p.Leu199Pro). This variant has not been reported in the literature in individuals affected with NCF4-related conditions. In summary, the available evidence is currently insufficient to determine the role of this variant in disease. Therefore, it has been classified as a Variant of Uncertain Significance. Algorithms developed to predict the effect of missense changes on protein structure and function are either unavailable or do not agree on the potential impact of this missense change (SIFT: "Deleterious"; PolyPhen-2: "Probably Damaging"; Align-GVGD: "Class C0"). ClinVar contains an entry for this variant (Variation ID: 1421108).

NM_000631.5(NCF4):c.596T>C (p.Leu199Pro)

Gene: NCF4 (neutrophil cytosolic factor 4; plus strand). Cytogenetic location: 22q12.3.
Variant type: single nucleotide variant.
Coding change: c.596T>C on transcript NM_000631.5 (MANE Select); coding-DNA position 596, T replaced by C.
Protein change: p.Leu199Pro; replaces leucine 199 with proline.
Molecular consequence: missense variant.
Genome position (GRCh38, 1-based): chr22:36,872,394, T>C. VCF-style: chr22-36872394-T-C. GRCh37 (hg19) VCF-style: chr22-37268436-T-C.
Other names: c.596T>C, p.Leu199Pro (NM_013416.4); short protein forms L199P.
Identifiers: ClinVar variation 1421108 (VCV001421108.4), dbSNP rs1248017342, ClinGen allele CA411385960.
Genomic context (GRCh38, chr22:36,872,394, plus strand): 5'-TTGACTTCACTGGAAACAGCAAACTGGAGCTGAATTTCAAAGCTGGAGATGTGATCTTCC[T>C]CCTCAGTCGGATCAACAAAGACTGGCTGGAGGTGAGTTCAGAAGTGAGGATGGAGGTGAG-3'
Protein context (NP_000622.2, residues 189-209): LNFKAGDVIF[Leu199Pro]LSRINKDWLE